The following is an entry in ClinVar:

ClinVar aggregate classification (germline): Benign/Likely benign. Review status: criteria provided, multiple submitters, no conflicts (2 of 4 stars). 3 submissions from 3 submitters: Benign (2); Likely benign (1). Last evaluated 2025-12-03.

Conditions:
TMPRSS6-related disorder. Also called: TMPRSS6-related condition.

Submissions (3):

PreventionGenetics, part of Exact Sciences
Classification: Benign for TMPRSS6-related condition. Last evaluated: 2025-12-03. Review status: criteria provided, single submitter. Criteria: ACMG Guidelines, 2015. Collection method: clinical testing. Allele origin: germline.
Comment: This variant is classified as benign based on ACMG/AMP sequence variant interpretation guidelines (Richards et al. 2015 PMID: 25741868, with internal and published modifications).

Labcorp Genetics (formerly Invitae), Labcorp
Classification: Benign. Last evaluated: 2025-10-08. Review status: criteria provided, single submitter. Criteria: Invitae Variant Classification Sherloc (09022015). Collection method: clinical testing. Allele origin: germline.

Blueprint Genetics
Classification: Likely benign. Last evaluated: 2024-11-27. Review status: criteria provided, single submitter. Criteria: ACMG Guidelines, 2015. Collection method: clinical testing. Allele origin: germline.

NM_001374504.1(TMPRSS6):c.631+17del

Gene: TMPRSS6 (transmembrane serine protease 6; minus strand). Cytogenetic location: 22q12.3.
Variant type: Deletion.
Coding change: c.631+17del on transcript NM_001374504.1 (MANE Select); 17 bases into the intron after coding-DNA position 631, one base deleted (T; older notation c.631+17delT).
Molecular consequence: intron variant.
Genome position (GRCh38, 1-based): chr22:37,095,534, A deleted on the plus strand (T on the coding strand, the reverse complement: TMPRSS6 is on the minus strand); the first of 9 consecutive A bases (chr22:37,095,534-37,095,542); deleting any one gives the same sequence. VCF-style (leftmost placement, unchanged base first): chr22-37095533-GA-G. GRCh37 (hg19) VCF-style: chr22-37491573-GA-G.
Other names: c.631+17del (NM_001289000.2, NM_001289001.2, NM_153609.4); c.658+17delT (NM_153609.3).
Identifiers: ClinVar variation 1989883 (VCV001989883.6), dbSNP rs565759264, ClinGen allele CA10215965.